The following is an entry in ClinVar:

ClinVar aggregate classification (germline): Pathogenic (1 of 4 stars; one submission).

Conditions:
Thrombocytopenia 1. Also called: THROMBOCYTOPENIA, X-LINKED, 1; X-linked thrombocytopenia with normal platelets; X-Linked Thrombocytopenia (XLT). Identifiers: Orphanet 268322, Orphanet 852, MedGen C1839163, MONDO:0010743, OMIM 313900.
Wiskott-Aldrich syndrome (WAS). Also called: Wiskott-aldrich syndrome, somatic; ALDRICH SYNDROME; IMMUNODEFICIENCY 2; WISKOTT-ALDRICH SYNDROME 1. Identifiers: Orphanet 906, MedGen C0043194, MONDO:0010518, OMIM 301000.
X-linked severe congenital neutropenia (SCNX). Identifiers: Orphanet 86788, MedGen C1845987, MONDO:0010294, OMIM 300299.

Submission:

Labcorp Genetics (formerly Invitae), Labcorp
Classification: Pathogenic for Wiskott-Aldrich syndrome; X-linked severe congenital neutropenia; Thrombocytopenia 1. Last evaluated: 2023-07-17. Review status: criteria provided, single submitter. Criteria: Invitae Variant Classification Sherloc (09022015). Collection method: clinical testing. Allele origin: germline.
Comment: This sequence change replaces leucine, which is neutral and non-polar, with proline, which is neutral and non-polar, at codon 101 of the WAS protein (p.Leu101Pro). For these reasons, this variant has been classified as Pathogenic. This variant disrupts the p.Leu101 amino acid residue in WAS. Other variant(s) that disrupt this residue have been observed in individuals with WAS-related conditions (PMID: 17400488), which suggests that this may be a clinically significant amino acid residue. Experimental studies have shown that this missense change affects WAS function (PMID: 26502776). Advanced modeling of protein sequence and biophysical properties (such as structural, functional, and spatial information, amino acid conservation, physicochemical variation, residue mobility, and thermodynamic stability) performed at Invitae indicates that this missense variant is expected to disrupt WAS protein function. ClinVar contains an entry for this variant (Variation ID: 2138568). This missense change has been observed in individual(s) with clinical features of Wiskott-Aldrich syndrome (PMID: 15469902, 26502776; Invitae). This variant is not present in population databases (gnomAD no frequency).

Literature cited by the submitters: PubMed 17400488; PubMed 26502776; PubMed 15469902.

NM_000377.3(WAS):c.302T>C (p.Leu101Pro)

Gene: WAS (WASP actin nucleation promoting factor; plus strand). Cytogenetic location: Xp11.23.
Variant type: single nucleotide variant.
Coding change: c.302T>C on transcript NM_000377.3 (MANE Select); coding-DNA position 302, T replaced by C.
Protein change: p.Leu101Pro; replaces leucine 101 with proline.
Molecular consequence: missense variant.
Genome position (GRCh38, 1-based): chrX:48,685,575, T>C. VCF-style: chrX-48685575-T-C. GRCh37 (hg19) VCF-style: chrX-48543964-T-C.
Other names: short protein forms L101P.
Identifiers: ClinVar variation 2138568 (VCV002138568.4), dbSNP rs2519280132, ClinGen allele CA412866968.